The following is an entry in ClinVar:

NM_001166108.2(PALLD):c.3046C>T (p.Leu1016Phe)

Genes: CBR4 (carbonyl reductase 4; minus strand), PALLD (palladin, cytoskeletal associated protein; plus strand). Cytogenetic location: 4q32.3.
Variant type: single nucleotide variant.
Coding change: c.3046C>T on transcript NM_001166108.2 (MANE Select); coding-DNA position 3046, C replaced by T.
Protein change: p.Leu1016Phe; replaces leucine 1016 with phenylalanine.
Molecular consequence: missense variant.
Genome position (GRCh38, 1-based): chr4:168,921,729, C>T. VCF-style: chr4-168921729-C-T. GRCh37 (hg19) VCF-style: chr4-169842880-C-T.
Other names: c.1849C>T, p.Leu617Phe (NM_001166109.2); c.1534C>T, p.Leu512Phe (NM_001166110.2); c.874C>T, p.Leu292Phe (NM_001367567.1, NM_001367569.1); c.925C>T, p.Leu309Phe (NM_001367568.1, NM_001367570.1); c.2995C>T, p.Leu999Phe (NM_016081.4); c.1534C>T (NM_001166110.1); short protein forms L1016F, L292F, L309F, L512F, L617F, L999F.
Identifiers: ClinVar variation 1015523 (VCV001015523.10), dbSNP rs1761546367, ClinGen allele CA358709843.
Genomic context (GRCh38, chr4:168,921,729, plus strand): 5'-GCCGGCATCTACACATGTATAGCTACCAACCGAGCAGGACAGAACTCATTCAGCCTGGAG[C>T]TTGTGGTTGCTGGTAGGCTCATCTGTGAATCCTTGCTCTCTGACAGAATGAACATCAGAC-3'
Protein context (NP_001159580.1, residues 1006-1026): RAGQNSFSLE[Leu1016Phe]VVAAKEAHKP

ClinVar aggregate classification (germline): Uncertain significance. Review status: criteria provided, multiple submitters, no conflicts (2 of 4 stars). 2 submissions from 2 submitters: Uncertain significance (2). Last evaluated 2025-12-10.

Conditions:
Pancreatic adenocarcinoma. Identifiers: MedGen C0281361, MONDO:0006047, HP:0006725.

Allele frequency attached by ClinVar (database versions not stated): gnomAD exomes 0.00001.
gnomAD v4.1: 8 of 1,611,174 alleles (0.0005%); highest among the groups gnomAD compares: Non-Finnish European, 0.00068%; no homozygotes.

Submissions (2):

Ambry Genetics
Classification: Uncertain significance. Last evaluated: 2025-12-10. Review status: criteria provided, single submitter. Criteria: Ambry Variant Classification Scheme 2023. Collection method: clinical testing. Allele origin: germline.

Labcorp Genetics (formerly Invitae), Labcorp
Classification: Uncertain significance for Pancreatic adenocarcinoma. Last evaluated: 2025-04-14. Review status: criteria provided, single submitter. Criteria: Invitae Variant Classification Sherloc (09022015). Collection method: clinical testing. Allele origin: germline.
Comment: This sequence change replaces leucine, which is neutral and non-polar, with phenylalanine, which is neutral and non-polar, at codon 512 of the PALLD protein (p.Leu512Phe). This variant is not present in population databases (gnomAD no frequency). This variant has not been reported in the literature in individuals affected with PALLD-related conditions. ClinVar contains an entry for this variant (Variation ID: 1015523). An algorithm developed to predict the effect of missense changes on protein structure and function (PolyPhen-2) suggests that this variant is likely to be disruptive. In summary, the available evidence is currently insufficient to determine the role of this variant in disease. Therefore, it has been classified as a Variant of Uncertain Significance.